The following is an entry in ClinVar:

NM_001204077.2(UBE4A):c.1106A>G (p.Asn369Ser)

Gene: UBE4A (ubiquitination factor E4A; plus strand). Cytogenetic location: 11q23.3.
Variant type: single nucleotide variant.
Coding change: c.1106A>G on transcript NM_001204077.2 (MANE Select); coding-DNA position 1106, A replaced by G.
Protein change: p.Asn369Ser; replaces asparagine 369 with serine.
Molecular consequence: missense variant.
Genome position (GRCh38, 1-based): chr11:118,373,675, A>G. VCF-style: chr11-118373675-A-G. GRCh37 (hg19) VCF-style: chr11-118244390-A-G.
Other names: c.1127A>G, p.Asn376Ser (NM_004788.4); short protein forms N376S, N369S.
Identifiers: ClinVar variation 3731210 (VCV003731210.1).

ClinVar aggregate classification (germline): Uncertain significance (1 of 4 stars; one submission).

gnomAD v4.1: 14 of 1,613,660 alleles (0.00087%); highest among the groups gnomAD compares: African/African-American, 0.008%; no homozygotes.

Submission:

GeneDx
Classification: Uncertain significance. Last evaluated: 2024-08-16. Review status: criteria provided, single submitter. Criteria: GeneDx Variant Classification Process June 2021. Collection method: clinical testing. Allele origin: germline. Affected: yes.
Comment: Not observed at significant frequency in large population cohorts (gnomAD); In silico analysis indicates that this missense variant does not alter protein structure/function; Has not been previously published as pathogenic or benign to our knowledge